The following is an entry in ClinVar:

NM_003072.5(SMARCA4):c.761-14C>T

Gene: SMARCA4 (SWI/SNF related BAF chromatin remodeling complex subunit ATPase 4; plus strand). Cytogenetic location: 19p13.2.
Variant type: single nucleotide variant.
Coding change: c.761-14C>T on transcript NM_003072.5 (MANE Select); 14 bases into the intron before coding-DNA position 761, C replaced by T.
Molecular consequence: intron variant.
Genome position (GRCh38, 1-based): chr19:10,986,891, C>T. VCF-style: chr19-10986891-C-T. GRCh37 (hg19) VCF-style: chr19-11097567-C-T.
Other names: c.761-14C>T (NM_001128844.3, NM_001128849.3, NM_001128847.4 and 5 more transcripts).
Identifiers: ClinVar variation 512124 (VCV000512124.9), dbSNP rs1555754096, ClinGen allele CA658799124.
Genomic context (GRCh38, chr19:10,986,891, plus strand): 5'-GGCTGCCCACGGGGCTGGGCGCAGGCATAAACCTGGGACGCACTGTTTTCTCTTTTGTTT[C>T]TCCCTACATGTAGGTATGGGAGGGCCCAACATGCCTCCCCCAGGACCCTCGGGCGTGCCC-3'

ClinVar aggregate classification (germline): Likely benign. Review status: criteria provided, multiple submitters, no conflicts (2 of 4 stars). 3 submissions from 3 submitters: Likely benign (3). Last evaluated 2026-07-06.

Conditions:
Rhabdoid tumor predisposition syndrome 2 (RTPS2). Identifiers: Orphanet 231108, Orphanet 69077, MedGen C2750074, MONDO:0013224, OMIM 613325.

Allele frequency attached by ClinVar (database versions not stated): gnomAD exomes below 0.00001.
gnomAD v4.1: 1 of 1,601,294 alleles (0.000062%); highest among the groups gnomAD compares: Admixed American, 0.0017%; no homozygotes.

Submissions (3):

Myriad Genetics, Inc.
Classification: Likely benign for Rhabdoid tumor predisposition syndrome 2. Last evaluated: 2026-07-06. Review status: criteria provided, single submitter. Criteria: Myriad Autosomal Dominant, Autosomal Recessive and X-Linked Classification Criteria (2023). Collection method: clinical testing. Allele origin: unknown.
Comment: This variant is considered likely benign. This variant is intronic and is not expected to impact mRNA splicing.

Labcorp Genetics (formerly Invitae), Labcorp
Classification: Likely benign for Rhabdoid tumor predisposition syndrome 2. Last evaluated: 2025-09-27. Review status: criteria provided, single submitter. Criteria: Invitae Variant Classification Sherloc (09022015). Collection method: clinical testing. Allele origin: germline.

GeneDx
Classification: Likely benign. Last evaluated: 2017-09-15. Review status: criteria provided, single submitter. Criteria: GeneDx Variant Classification (06012015). Collection method: clinical testing. Allele origin: germline. Affected: yes.
Comment: This variant is considered likely benign or benign based on one or more of the following criteria: it is a conservative change, it occurs at a poorly conserved position in the protein, it is predicted to be benign by multiple in silico algorithms, and/or has population frequency not consistent with disease.